The following is an entry in ClinVar:

NM_001164508.2(NEB):c.23017-3_23017del

Genes: NEB (nebulin; minus strand), RIF1 (replication timing regulatory factor 1; plus strand). Cytogenetic location: 2q23.3.
Variant type: Deletion.
Coding change: c.23017-3_23017del on transcript NM_001164508.2 (MANE Select); 3 bases into the intron before coding-DNA position 23017 through coding-DNA position 23017, 4 bases deleted (TAGA; older notation c.23017-3_23017delTAGA).
Molecular consequence: splice acceptor variant.
Genome position (GRCh38, 1-based): chr2:151,514,428-151,514,431, TCTA deleted on the plus strand (TAGA on the coding strand, the reverse complement: NEB is on the minus strand); deleting any 4 consecutive bases within chr2:151,514,428-151,514,432 gives the same sequence; the c. name uses the placement nearest the transcript's 3' end. VCF-style (leftmost placement, unchanged base first): chr2-151514427-TTCTA-T. GRCh37 (hg19) VCF-style: chr2-152370941-TTCTA-T.
Other names: c.17914-3_17914del (NM_004543.5); c.23017-3_23017del (NM_001164507.2); c.23122-3_23122del (NM_001271208.2).
Identifiers: ClinVar variation 2729331 (VCV002729331.3), dbSNP rs2552079414, ClinGen allele CA2697551064.

ClinVar aggregate classification (germline): Likely pathogenic (1 of 4 stars; one submission).

Conditions:
Nemaline myopathy 2 (NEM2). Also called: Nemaline myopathy 2, autosomal recessive. Identifiers: MedGen C1850569, MONDO:0009725, OMIM 256030.

Submission:

Labcorp Genetics (formerly Invitae), Labcorp
Classification: Likely pathogenic for Nemaline myopathy 2. Last evaluated: 2023-05-19. Review status: criteria provided, single submitter. Criteria: Invitae Variant Classification Sherloc (09022015). Collection method: clinical testing. Allele origin: germline.
Comment: In summary, the currently available evidence indicates that the variant is pathogenic, but additional data are needed to prove that conclusively. Therefore, this variant has been classified as Likely Pathogenic. Algorithms developed to predict the effect of sequence changes on RNA splicing suggest that this variant may disrupt the consensus splice site. This variant has not been reported in the literature in individuals affected with NEB-related conditions. This variant is not present in population databases (gnomAD no frequency). This sequence change affects a splice site in intron 159 of the NEB gene. It is expected to disrupt RNA splicing. Variants that disrupt the donor or acceptor splice site typically lead to a loss of protein function (PMID: 16199547), and loss-of-function variants in NEB are known to be pathogenic (PMID: 25205138).

Literature cited by the submitters: PubMed 16199547; PubMed 25205138.